The following is an entry in ClinVar:

NM_018136.5(ASPM):c.2641G>C (p.Ala881Pro)

Gene: ASPM (assembly factor for spindle microtubules; minus strand). Cytogenetic location: 1q31.3.
Variant type: single nucleotide variant.
Coding change: c.2641G>C on transcript NM_018136.5 (MANE Select); coding-DNA position 2641, G replaced by C.
Protein change: p.Ala881Pro; replaces alanine 881 with proline.
Molecular consequence: missense variant.
Genome position (GRCh38, 1-based): chr1:197,129,306, C>G on the plus strand (G>C on the coding strand, the complement: ASPM is on the minus strand). VCF-style: chr1-197129306-C-G. GRCh37 (hg19) VCF-style: chr1-197098436-C-G.
Other names: c.2641G>C, p.Ala881Pro (NM_001206846.2); short protein forms A881P.
Identifiers: ClinVar variation 1347084 (VCV001347084.3), dbSNP rs142743598, ClinGen allele CA344049520.

ClinVar aggregate classification (germline): Uncertain significance (1 of 4 stars; one submission).

gnomAD v4.1: 2 of 1,612,920 alleles (0.00012%); highest among the groups gnomAD compares: Admixed American, 0.0017%; no homozygotes.

Submission:

Labcorp Genetics (formerly Invitae), Labcorp
Classification: Uncertain significance. Last evaluated: 2021-11-26. Review status: criteria provided, single submitter. Criteria: Invitae Variant Classification Sherloc (09022015). Collection method: clinical testing. Allele origin: germline.
Comment: This sequence change replaces alanine, which is neutral and non-polar, with proline, which is neutral and non-polar, at codon 881 of the ASPM protein (p.Ala881Pro). This variant is not present in population databases (gnomAD no frequency). This variant has not been reported in the literature in individuals affected with ASPM-related conditions. Algorithms developed to predict the effect of missense changes on protein structure and function are either unavailable or do not agree on the potential impact of this missense change (SIFT: "Deleterious"; PolyPhen-2: "Probably Damaging"; Align-GVGD: "Class C0"). In summary, the available evidence is currently insufficient to determine the role of this variant in disease. Therefore, it has been classified as a Variant of Uncertain Significance.